The following is an entry in ClinVar:

NM_000388.4(CASR):c.2828A>T (p.Gln943Leu)

Gene: CASR (calcium sensing receptor; plus strand). Cytogenetic location: 3q21.1.
Variant type: single nucleotide variant.
Coding change: c.2828A>T on transcript NM_000388.4 (MANE Select); coding-DNA position 2828, A replaced by T.
Protein change: p.Gln943Leu; replaces glutamine 943 with leucine.
Molecular consequence: missense variant.
Genome position (GRCh38, 1-based): chr3:122,284,782, A>T. VCF-style: chr3-122284782-A-T. GRCh37 (hg19) VCF-style: chr3-122003629-A-T.
Other names: c.2858A>T, p.Gln953Leu (NM_001178065.2); short protein forms Q943L, Q953L.
Identifiers: ClinVar variation 1796518 (VCV001796518.2), dbSNP rs2473282145, ClinGen allele CA354160859.

ClinVar aggregate classification (germline): Uncertain significance (1 of 4 stars; one submission).

Conditions:
Nephrolithiasis/nephrocalcinosis. Identifiers: MedGen CN580796.

Submission:

Ambry Genetics
Classification: Uncertain significance for Nephrolithiasis/nephrocalcinosis. Last evaluated: 2021-10-21. Review status: criteria provided, single submitter. Criteria: Ambry Variant Classification Scheme 2023. Collection method: clinical testing. Allele origin: germline.
Comment: The p.Q943L variant (also known as c.2828A>T), located in coding exon 6 of the CASR gene, results from an A to T substitution at nucleotide position 2828. The glutamine at codon 943 is replaced by leucine, an amino acid with dissimilar properties. This amino acid position is conserved. In addition, this alteration is predicted to be tolerated by in silico analysis. Since supporting evidence is limited at this time, the clinical significance of this alteration remains unclear.